The following is an entry in ClinVar:

ClinVar aggregate classification (germline): Benign. Review status: criteria provided, single submitter (1 of 4 stars). 2 submissions from 1 submitter: Benign (2). Last evaluated 2018-01-13.

Conditions:
Hypophosphatemic rickets, autosomal recessive, 2 (ARHR2). Identifiers: Orphanet 289176, MedGen C2750078, MONDO:0013219, OMIM 613312.
Arterial calcification, generalized, of infancy, 1 (GACI1). Also called: Idiopathic Infantile Arterial Calcification. Identifiers: Orphanet 51608, MedGen C4551985, MONDO:0008817, OMIM 208000.

Allele frequency attached by ClinVar (database versions not stated): gnomAD exomes 0.02850; gnomAD 0.11698 and 0.12353; 1000 Genomes Project 0.11721; 1000 Genomes Project 30x 0.12242; TOPMed 0.13078.
gnomAD v4.1: 17,848 of 154,690 alleles (12%); highest among the groups gnomAD compares: African/African-American, 30%; 1,970 homozygotes.

Submissions (2):

Illumina Laboratory Services, Illumina
Classification: Benign for Arterial calcification, generalized, of infancy, 1. Last evaluated: 2018-01-13. Review status: criteria provided, single submitter. Criteria: ICSL Variant Classification Criteria 13 December 2019. Collection method: clinical testing. Allele origin: germline.
Comment: This variant was observed in the ICSL laboratory as part of a predisposition screen in an ostensibly healthy population. It had not been previously curated by ICSL or reported in the Human Gene Mutation Database (HGMD: prior to June 1st, 2018), and was therefore a candidate for classification through an automated scoring system. Utilizing variant allele frequency, disease prevalence and penetrance estimates, and inheritance mode, an automated score was calculated to assess if this variant is too frequent to cause the disease. Based on the score and internal cut-off values, a variant classified as benign is not then subjected to further curation. The score for this variant resulted in a classification of benign for this disease.

Illumina Laboratory Services, Illumina
Classification: Benign for Hypophosphatemic rickets, autosomal recessive, 2. Last evaluated: 2018-01-13. Review status: criteria provided, single submitter. Criteria: ICSL Variant Classification Criteria 13 December 2019. Collection method: clinical testing. Allele origin: germline.
Comment: the same text as in the submission from Illumina Laboratory Services, Illumina above.

NM_006208.3(ENPP1):c.*457T>A

Gene: ENPP1 (ectonucleotide pyrophosphatase/phosphodiesterase 1; plus strand). Cytogenetic location: 6q23.2.
Variant type: single nucleotide variant.
Coding change: c.*457T>A on transcript NM_006208.3 (MANE Select); 457 bases downstream of the stop codon, T replaced by A.
Molecular consequence: 3 prime UTR variant.
Genome position (GRCh38, 1-based): chr6:131,890,968, T>A. VCF-style: chr6-131890968-T-A. GRCh37 (hg19) VCF-style: chr6-132212108-T-A.
Identifiers: ClinVar variation 355361 (VCV000355361.5), dbSNP rs1044582, ClinGen allele CA10625767.
Genomic context (GRCh38, chr6:131,890,968, plus strand): 5'-AGCCCATGTTATGTGACTATCTTTATGAGAATTTTAAAGTGGTTCTGGATATCTTTTAAC[T>A]TGGAGTTTCATTTCTTTTCATTGTAATCAAAAAAAAAATTAACAGAAGCCAAAATACTTC-3'